The following is an entry in ClinVar:

ClinVar aggregate classification (germline): Uncertain significance (1 of 4 stars; one submission).

Conditions:
Familial thoracic aortic aneurysm and aortic dissection (TAAD). Also called: Thoracic aortic aneurysms and dissections. Identifiers: Orphanet 91387, MedGen C4707243, MONDO:0019625.

Submission:

Ambry Genetics
Classification: Uncertain significance for Familial thoracic aortic aneurysm and aortic dissection. Last evaluated: 2021-11-14. Review status: criteria provided, single submitter. Criteria: Ambry Variant Classification Scheme 2023. Collection method: clinical testing. Allele origin: germline.
Comment: The p.R845P variant (also known as c.2534G>C), located in coding exon 15 of the MYLK gene, results from a G to C substitution at nucleotide position 2534. The arginine at codon 845 is replaced by proline, an amino acid with dissimilar properties. This amino acid position is conserved. In addition, this alteration is predicted to be tolerated by in silico analysis. Since supporting evidence is limited at this time, the clinical significance of this alteration remains unclear.

NM_053025.4(MYLK):c.2534G>C (p.Arg845Pro)

Gene: MYLK (myosin light chain kinase; minus strand). Cytogenetic location: 3q21.1.
Variant type: single nucleotide variant.
Coding change: c.2534G>C on transcript NM_053025.4 (MANE Select); coding-DNA position 2534, G replaced by C.
Protein change: p.Arg845Pro; replaces arginine 845 with proline.
Molecular consequence: missense variant.
Genome position (GRCh38, 1-based): chr3:123,700,934, C>G on the plus strand (G>C on the coding strand, the complement: MYLK is on the minus strand). VCF-style: chr3-123700934-C-G. GRCh37 (hg19) VCF-style: chr3-123419781-C-G.
Other names: c.2006G>C, p.Arg669Pro (NM_001321309.2); c.2327G>C, p.Arg776Pro (NM_053026.4, NM_053028.4); c.2534G>C, p.Arg845Pro (NM_053027.4); short protein forms R776P, R669P, R845P.
Identifiers: ClinVar variation 1792744 (VCV001792744.2), dbSNP rs2061179077, ClinGen allele CA354232386.